The following is an entry in ClinVar:

NM_000098.3(CPT2):c.1555G>A (p.Glu519Lys)

Gene: CPT2 (carnitine palmitoyltransferase 2; plus strand). Cytogenetic location: 1p32.3.
Variant type: single nucleotide variant.
Coding change: c.1555G>A on transcript NM_000098.3 (MANE Select); coding-DNA position 1555, G replaced by A.
Protein change: p.Glu519Lys; replaces glutamic acid 519 with lysine.
Molecular consequence: missense variant.
Genome position (GRCh38, 1-based): chr1:53,211,229, G>A. VCF-style: chr1-53211229-G-A. GRCh37 (hg19) VCF-style: chr1-53676901-G-A.
Other names: c.1555G>A, p.Glu519Lys (NM_001330589.2); short protein forms E519K.
Identifiers: ClinVar variation 848805 (VCV000848805.9), dbSNP rs1458948855, ClinGen allele CA340396789.

ClinVar aggregate classification (germline): Uncertain significance (1 of 4 stars; one submission).

Conditions:
Carnitine palmitoyltransferase II deficiency. Also called: Carnitine Palmitoyltransferase 2 Deficiency. Identifiers: Orphanet 157, MedGen C0342790, MONDO:0015515.

Allele frequency attached by ClinVar (database versions not stated): gnomAD exomes below 0.00001; TOPMed 0.00001.
gnomAD v4.1: 5 of 1,610,196 alleles (0.00031%); highest among the groups gnomAD compares: Non-Finnish European, 0.00042%; no homozygotes.

Submission:

Labcorp Genetics (formerly Invitae), Labcorp
Classification: Uncertain significance for Carnitine palmitoyltransferase II deficiency. Last evaluated: 2025-12-08. Review status: criteria provided, single submitter. Criteria: Invitae Variant Classification Sherloc (09022015). Collection method: clinical testing. Allele origin: germline.
Comment: This sequence change replaces glutamic acid, which is acidic and polar, with lysine, which is basic and polar, at codon 519 of the CPT2 protein (p.Glu519Lys). This variant is not present in population databases (gnomAD no frequency). This variant has not been reported in the literature in individuals affected with CPT2-related conditions. ClinVar contains an entry for this variant (Variation ID: 848805). Invitae Evidence Modeling of protein sequence and biophysical properties (such as structural, functional, and spatial information, amino acid conservation, physicochemical variation, residue mobility, and thermodynamic stability) indicates that this missense variant is not expected to disrupt CPT2 protein function with a negative predictive value of 80%. In summary, the available evidence is currently insufficient to determine the role of this variant in disease. Therefore, it has been classified as a Variant of Uncertain Significance.